The following is an entry in ClinVar:

ClinVar aggregate classification (germline): Uncertain significance (1 of 4 stars; one submission).

Conditions:
Neuropathy, hereditary sensory and autonomic, type 2A (HSAN2A). Also called: WNK1-Related HSAN2 (HSAN2A); ACROOSTEOLYSIS, GIACCAI TYPE; ACROOSTEOLYSIS, NEUROGENIC; MORVAN DISEASE; NEUROPATHY, CONGENITAL SENSORY; NEUROPATHY, HEREDITARY SENSORY RADICULAR, AUTOSOMAL RECESSIVE. Identifiers: Orphanet 970, MedGen C2752089, MONDO:0024309, OMIM 201300.
Pseudohypoaldosteronism type 2C (PHA2C). Also called: Pseudohypoaldosteronism Type IIC. Identifiers: Orphanet 757, Orphanet 88940, MedGen C1840391, MONDO:0013778, OMIM 614492.

Submission:

Labcorp Genetics (formerly Invitae), Labcorp
Classification: Uncertain significance for Neuropathy, hereditary sensory and autonomic, type 2A; Pseudohypoaldosteronism type 2C. Last evaluated: 2026-01-04. Review status: criteria provided, single submitter. Criteria: Invitae Variant Classification Sherloc (09022015). Collection method: clinical testing. Allele origin: germline.
Comment: This sequence change replaces leucine, which is neutral and non-polar, with glycine, which is neutral and non-polar, at codon 2288 of the WNK1 protein (p.Leu2288Gly). Information on the frequency of this variant in the gnomAD database is not available, as this variant may be reported differently in the database. This variant has not been reported in the literature in individuals affected with WNK1-related conditions. Experimental studies and prediction algorithms are not available or were not evaluated, and the functional significance of this variant is currently unknown. In summary, the available evidence is currently insufficient to determine the role of this variant in disease. Therefore, it has been classified as a Variant of Uncertain Significance.

NM_018979.4(WNK1):c.6106_6107delinsGG (p.Leu2036Gly)

Gene: WNK1 (WNK lysine deficient protein kinase 1; plus strand). Cytogenetic location: 12p13.33.
Variant type: Indel.
Coding change: c.6106_6107delinsGG on transcript NM_018979.4 (MANE Select); coding-DNA positions 6106 to 6107, CT replaced by GG.
Protein change: p.Leu2036Gly; replaces leucine 2036 with glycine.
Molecular consequence: missense variant.
Genome position (GRCh38, 1-based): chr12:896,593-896,594, CT replaced by GG. VCF-style: chr12-896593-CT-GG. GRCh37 (hg19) VCF-style: chr12-1005759-CT-GG.
Other names: c.6886_6887delinsGG, p.Leu2296Gly (NM_001184985.2); c.5362_5363delinsGG, p.Leu1788Gly (NM_014823.3); c.6862_6863delinsGG, p.Leu2288Gly (NM_213655.5); short protein forms L1788G, L2288G, L2036G, L2296G.
Identifiers: ClinVar variation 4785712 (VCV004785712.1).